The following is an entry in ClinVar:

ClinVar aggregate classification (germline): Likely pathogenic (1 of 4 stars; one submission).

Submission:

Athena Diagnostics
Classification: Likely pathogenic. Last evaluated: 2020-01-21. Review status: criteria provided, single submitter. Criteria: Athena Diagnostics Criteria. Collection method: clinical testing. Allele origin: unknown.
Comment: The variant results in a shift of the reading frame, and is therefore predicted to result in the loss of a functional protein. Not found in the total gnomAD dataset.

NM_018136.5(ASPM):c.5409del (p.Ala1804fs)

Gene: ASPM (assembly factor for spindle microtubules; minus strand). Cytogenetic location: 1q31.3.
Variant type: Deletion.
Coding change: c.5409del on transcript NM_018136.5 (MANE Select); coding-DNA position 5409, one base deleted (A; older notation c.5409delA).
Protein change: p.Ala1804fs; shifts the reading frame from alanine 1804.
Molecular consequence: frameshift variant. On other transcripts: intron variant (1).
Genome position (GRCh38, 1-based): chr1:197,103,842, T deleted on the plus strand (A on the coding strand, the reverse complement: ASPM is on the minus strand); the first of 6 consecutive T bases (chr1:197,103,842-197,103,847); deleting any one gives the same sequence. VCF-style (leftmost placement, unchanged base first): chr1-197103841-CT-C. GRCh37 (hg19) VCF-style: chr1-197072971-CT-C.
Other names: c.4066-7678del (NM_001206846.2); short protein forms A1804fs.
Identifiers: ClinVar variation 995272 (VCV000995272.1), dbSNP rs1461653803, ClinGen allele CA645523003.